The following is an entry in ClinVar:

NM_004329.3(BMPR1A):c.126A>G (p.Lys42=)

Gene: BMPR1A (bone morphogenetic protein receptor type 1A; plus strand). Cytogenetic location: 10q23.2.
Variant type: single nucleotide variant.
Coding change: c.126A>G on transcript NM_004329.3 (MANE Select); coding-DNA position 126, A replaced by G.
Protein change: p.Lys42=; no amino-acid change (lysine 42 retained).
Molecular consequence: synonymous variant.
Genome position (GRCh38, 1-based): chr10:86,890,120, A>G. VCF-style: chr10-86890120-A-G. GRCh37 (hg19) VCF-style: chr10-88649877-A-G.
Identifiers: ClinVar variation 482848 (VCV000482848.18), dbSNP rs773814289, ClinGen allele CA5585436.
Genomic context (GRCh38, chr10:86,890,120, plus strand): 5'-AGGACAGAATCTGGATAGTATGCTTCATGGCACTGGGATGAAATCAGACTCCGACCAGAA[A>G]AAGTCAGAAAATGGAGTAACCTTAGCACCAGAGGATACCTTGCCTTTTTTAAAGTGCTAT-3'
Protein context (NP_004320.2, residues 32-52): GTGMKSDSDQ[Lys42=]KSENGVTLAP

ClinVar aggregate classification (germline): Benign/Likely benign. Review status: criteria provided, multiple submitters, no conflicts (2 of 4 stars). 5 submissions from 5 submitters: Benign (1); Likely benign (4). Last evaluated 2026-01-05.

Conditions:
Juvenile polyposis syndrome (JPS). Identifiers: Orphanet 2929, MedGen C0345893, MONDO:0017380, OMIM 174900.
Hereditary cancer-predisposing syndrome. Also called: Hereditary neoplastic syndrome; Neoplastic Syndromes, Hereditary; Tumor predisposition; Hereditary Cancer Syndrome. Identifiers: Orphanet 140162, MedGen C0027672, MeSH D009386, MONDO:0015356.

Allele frequency attached by ClinVar (database versions not stated): gnomAD exomes below 0.00001; ExAC 0.00001.

Submissions (5):

Labcorp Genetics (formerly Invitae), Labcorp
Classification: Likely benign for Juvenile polyposis syndrome. Last evaluated: 2026-01-05. Review status: criteria provided, single submitter. Criteria: Invitae Variant Classification Sherloc (09022015). Collection method: clinical testing. Allele origin: germline.

Myriad Genetics, Inc.
Classification: Benign for Juvenile polyposis syndrome. Last evaluated: 2024-07-31. Review status: criteria provided, single submitter. Criteria: Myriad Autosomal Dominant, Autosomal Recessive and X-Linked Classification Criteria (2023). Collection method: clinical testing. Allele origin: unknown.
Comment: This variant is considered benign. This variant is a silent/synonymous amino acid change and it is not expected to impact splicing.

All of Us Research Program, National Institutes of Health
Classification: Likely benign for Juvenile polyposis syndrome. Last evaluated: 2024-07-20. Review status: criteria provided, single submitter. Criteria: ACMG Guidelines, 2015. Collection method: clinical testing. Allele origin: germline. Inheritance: Autosomal dominant inheritance. Observed: 2 variant alleles, 2 heterozygotes.
Comment: This study involves interpretation of variants in research participants for the purpose of population health screening. Participant phenotype was not available at the time of variant classification. Additional details can be found in publication PMID: 35346344, PMCID: PMC8962531

Color Diagnostics, LLC DBA Color Health
Classification: Likely benign for Hereditary cancer-predisposing syndrome. Last evaluated: 2019-09-09. Review status: criteria provided, single submitter. Criteria: ACMG Guidelines, 2015. Collection method: clinical testing. Allele origin: germline.

Ambry Genetics
Classification: Likely benign for Hereditary cancer-predisposing syndrome. Last evaluated: 2017-05-30. Review status: criteria provided, single submitter. Criteria: Ambry Variant Classification Scheme 2023. Collection method: clinical testing. Allele origin: germline.